The following is an entry in ClinVar:

ClinVar aggregate classification (germline): Uncertain significance. Review status: criteria provided, multiple submitters, no conflicts (2 of 4 stars). 2 submissions from 2 submitters: Uncertain significance (2). Last evaluated 2024-10-12.

Conditions:
Spastic paraplegia. Identifiers: MedGen C0037772, HP:0001258.

Allele frequency attached by ClinVar (database versions not stated): gnomAD 0.00001; gnomAD exomes 0.00001; TOPMed 0.00001.
gnomAD v4.1: 17 of 1,208,469 alleles (0.0014%); highest among the groups gnomAD compares: East Asian, 0.003%; no homozygotes.

Submissions (2):

Labcorp Genetics (formerly Invitae), Labcorp
Classification: Uncertain significance for Spastic paraplegia. Last evaluated: 2024-10-12. Review status: criteria provided, single submitter. Criteria: Invitae Variant Classification Sherloc (09022015). Collection method: clinical testing. Allele origin: germline.
Comment: This sequence change replaces isoleucine, which is neutral and non-polar, with threonine, which is neutral and polar, at codon 236 of the L1CAM protein (p.Ile236Thr). This variant is not present in population databases (gnomAD no frequency). This variant has not been reported in the literature in individuals affected with L1CAM-related conditions. ClinVar contains an entry for this variant (Variation ID: 1807347). Invitae Evidence Modeling of protein sequence and biophysical properties (such as structural, functional, and spatial information, amino acid conservation, physicochemical variation, residue mobility, and thermodynamic stability) indicates that this missense variant is not expected to disrupt L1CAM protein function with a negative predictive value of 95%. In summary, the available evidence is currently insufficient to determine the role of this variant in disease. Therefore, it has been classified as a Variant of Uncertain Significance.

Athena Diagnostics
Classification: Uncertain significance. Last evaluated: 2022-09-09. Review status: criteria provided, single submitter. Criteria: Athena Diagnostics Criteria. Collection method: clinical testing. Allele origin: unknown.

NM_001278116.2(L1CAM):c.707T>C (p.Ile236Thr)

Gene: L1CAM (L1 cell adhesion molecule; minus strand). Cytogenetic location: Xq28.
Variant type: single nucleotide variant.
Coding change: c.707T>C on transcript NM_001278116.2 (MANE Select); coding-DNA position 707, T replaced by C.
Protein change: p.Ile236Thr; replaces isoleucine 236 with threonine.
Molecular consequence: missense variant.
Genome position (GRCh38, 1-based): chrX:153,870,487, A>G on the plus strand (T>C on the coding strand, the complement: L1CAM is on the minus strand). VCF-style: chrX-153870487-A-G. GRCh37 (hg19) VCF-style: chrX-153135942-A-G.
Other names: c.707T>C, p.Ile236Thr (NM_000425.5, NM_024003.3); c.692T>C, p.Ile231Thr (NM_001143963.2); short protein forms I231T, I236T.
Identifiers: ClinVar variation 1807347 (VCV001807347.3), dbSNP rs1295843554, ClinGen allele CA415133483.